The following is an entry in ClinVar:

NM_015166.4(MLC1):c.*2051G>A

Gene: MLC1 (modulator of VRAC current 1; minus strand). Cytogenetic location: 22q13.33.
Variant type: single nucleotide variant.
Coding change: c.*2051G>A on transcript NM_015166.4 (MANE Select); 2051 bases downstream of the stop codon, G replaced by A.
Molecular consequence: 3 prime UTR variant. On other transcripts: non-coding transcript variant (3).
Genome position (GRCh38, 1-based): chr22:50,059,532, C>T on the plus strand (G>A on the coding strand, the complement: MLC1 is on the minus strand). VCF-style: chr22-50059532-C-T. GRCh37 (hg19) VCF-style: chr22-50497961-C-T.
Other names: c.*2051G>A (NM_001376472.1, NM_001376473.1, NM_001376474.1 and 9 more transcripts); c.*666G>A (NM_001376477.1, NM_001376478.1).
Identifiers: ClinVar variation 342072 (VCV000342072.5), dbSNP rs540245725, ClinGen allele CA10653644.

ClinVar aggregate classification (germline): Likely benign (1 of 4 stars; one submission).

Conditions:
Megalencephalic leukoencephalopathy with subcortical cysts 1 (MLC1). Also called: LEUKOENCEPHALOPATHY WITH SWELLING AND CYSTS; VACUOLATING MEGALENCEPHALIC LEUKOENCEPHALOPATHY WITH SUBCORTICAL CYSTS. Identifiers: Orphanet 2478, MedGen C5779875, MONDO:0024555, OMIM 604004.

Allele frequency attached by ClinVar (database versions not stated): TOPMed 0.00003; gnomAD 0.00004 and 0.00013; 1000 Genomes Project 0.00060; 1000 Genomes Project 30x 0.00062.

Submission:

Illumina Laboratory Services, Illumina
Classification: Likely benign for Megalencephalic leukoencephalopathy with subcortical cysts 1. Last evaluated: 2018-01-13. Review status: criteria provided, single submitter. Criteria: ICSL Variant Classification Criteria 13 December 2019. Collection method: clinical testing. Allele origin: germline.
Comment: This variant was observed in the ICSL laboratory as part of a predisposition screen in an ostensibly healthy population. It had not been previously curated by ICSL or reported in the Human Gene Mutation Database (HGMD: prior to June 1st, 2018), and was therefore a candidate for classification through an automated scoring system. Utilizing variant allele frequency, disease prevalence and penetrance estimates, and inheritance mode, an automated score was calculated to assess if this variant is too frequent to cause the disease. Based on the score and internal cut-off values, a variant classified as likely benign is not then subjected to further curation. The score for this variant resulted in a classification of likely benign for this disease.